The following is an entry in ClinVar:

ClinVar aggregate classification (germline): Uncertain significance. Review status: criteria provided, multiple submitters, no conflicts (2 of 4 stars). 4 submissions from 4 submitters: Uncertain significance (4). Last evaluated 2025-08-01.

Conditions:
Hyperlipidemia, familial combined, LPL related (FCHL3). Also called: Hyperapobetalipoproteinemia. Identifiers: MedGen C0020474, MONDO:0007759, OMIM 144250, HP:0008158.
Hyperlipoproteinemia, type I. Also called: Lipoprotein Lipase Deficiency; HYPERLIPOPROTEINEMIA, TYPE IA; LPL DEFICIENCY; Lipase D deficiency; Familial Lipoprotein Lipase Deficiency; Hyperlipoproteinemia type 1. Identifiers: Orphanet 309015, Orphanet 444490, MedGen C0023817, MONDO:0009387, OMIM 238600. Disease mechanism: loss of function.

Allele frequency attached by ClinVar (database versions not stated): gnomAD 0.00002; gnomAD exomes 0.00002 and 0.00003; TOPMed 0.00002.
gnomAD v4.1: 36 of 1,614,072 alleles (0.0022%); highest among the groups gnomAD compares: Middle Eastern, 0.099%; no homozygotes.

Submissions (4):

CeGaT Center for Human Genetics Tuebingen
Classification: Uncertain significance. Last evaluated: 2025-08-01. Review status: criteria provided, single submitter. Criteria: CeGaT Center For Human Genetics Tuebingen Variant Classification Criteria Version 2. Collection method: clinical testing. Allele origin: germline. Affected: yes. Observed: 1 variant allele.

GeneDx
Classification: Uncertain significance. Last evaluated: 2024-09-08. Review status: criteria provided, single submitter. Criteria: GeneDx Variant Classification Process June 2021. Collection method: clinical testing. Allele origin: germline. Affected: yes.
Comment: In silico analysis indicates that this missense variant does not alter protein structure/function; Identified in association with hypertriglyceridemia in published literature (PMID: 36325899); This variant is associated with the following publications: (PMID: 36325899)

Mayo Clinic Laboratories, Mayo Clinic
Classification: Uncertain significance. Last evaluated: 2023-05-17. Review status: criteria provided, single submitter. Criteria: ACMG Guidelines, 2015. Collection method: clinical testing. Allele origin: germline. Observed: 1 variant allele.

Fulgent Genetics
Classification: Uncertain significance for Hyperlipidemia, familial combined, LPL related; Hyperlipoproteinemia, type I. Last evaluated: 2022-01-03. Review status: criteria provided, single submitter. Criteria: ACMG Guidelines, 2015. Collection method: clinical testing. Allele origin: unknown.

NM_000237.3(LPL):c.885A>C (p.Glu295Asp)

Gene: LPL (lipoprotein lipase; plus strand). Cytogenetic location: 8p21.3.
Variant type: single nucleotide variant.
Coding change: c.885A>C on transcript NM_000237.3 (MANE Select); coding-DNA position 885, A replaced by C.
Protein change: p.Glu295Asp; replaces glutamic acid 295 with aspartic acid.
Molecular consequence: missense variant.
Genome position (GRCh38, 1-based): chr8:19,955,950, A>C. VCF-style: chr8-19955950-A-C. GRCh37 (hg19) VCF-style: chr8-19813461-A-C.
Other names: p.Glu295Asp; short protein forms E295D.
Identifiers: ClinVar variation 1314220 (VCV001314220.13), dbSNP rs1041560952, ClinGen allele CA173378293.